The following is an entry in ClinVar:

NM_005733.3(KIF20A):c.1670T>C (p.Met557Thr)

Gene: KIF20A (kinesin family member 20A; plus strand). Cytogenetic location: 5q31.2.
Variant type: single nucleotide variant.
Coding change: c.1670T>C on transcript NM_005733.3 (MANE Select); coding-DNA position 1670, T replaced by C.
Protein change: p.Met557Thr; replaces methionine 557 with threonine.
Molecular consequence: missense variant.
Genome position (GRCh38, 1-based): chr5:138,184,663, T>C. VCF-style: chr5-138184663-T-C. GRCh37 (hg19) VCF-style: chr5-137520352-T-C.
Other names: short protein forms M557T.
Identifiers: ClinVar variation 1969475 (VCV001969475.5), dbSNP rs1464197484, ClinGen allele CA361116901.

ClinVar aggregate classification (germline): Uncertain significance (1 of 4 stars; one submission).

Allele frequency attached by ClinVar (database versions not stated): TOPMed below 0.00001.

Submission:

Labcorp Genetics (formerly Invitae), Labcorp
Classification: Uncertain significance. Last evaluated: 2022-06-15. Review status: criteria provided, single submitter. Criteria: Invitae Variant Classification Sherloc (09022015). Collection method: clinical testing. Allele origin: germline.
Comment: This sequence change replaces methionine, which is neutral and non-polar, with threonine, which is neutral and polar, at codon 557 of the KIF20A protein (p.Met557Thr). This variant is not present in population databases (gnomAD no frequency). This variant has not been reported in the literature in individuals affected with KIF20A-related conditions. Algorithms developed to predict the effect of missense changes on protein structure and function output the following: SIFT: "Tolerated"; PolyPhen-2: "Benign"; Align-GVGD: "Class C0". The threonine amino acid residue is found in multiple mammalian species, which suggests that this missense change does not adversely affect protein function. In summary, the available evidence is currently insufficient to determine the role of this variant in disease. Therefore, it has been classified as a Variant of Uncertain Significance.